The following is an entry in ClinVar:

ClinVar aggregate classification (germline): Benign/Likely benign. Review status: criteria provided, multiple submitters, no conflicts (2 of 4 stars). 4 submissions from 4 submitters: Benign (1); Likely benign (3). Last evaluated 2025-10-24.

Allele frequency attached by ClinVar (database versions not stated): gnomAD exomes 0.00011 and 0.00036; ExAC 0.00036; 1000 Genomes Project 0.00140; 1000 Genomes Project 30x 0.00141; gnomAD 0.00141 and 0.00146; TOPMed 0.00147; ESP Exome Variant Server 0.00193.
gnomAD v4.1: 392 of 1,614,154 alleles (0.024%); highest among the groups gnomAD compares: African/African-American, 0.47%; 1 homozygote.

Submissions (4):

Labcorp Genetics (formerly Invitae), Labcorp
Classification: Benign. Last evaluated: 2025-10-24. Review status: criteria provided, single submitter. Criteria: Invitae Variant Classification Sherloc (09022015). Collection method: clinical testing. Allele origin: germline.

Mayo Clinic Laboratories, Mayo Clinic
Classification: Likely benign. Last evaluated: 2025-02-28. Review status: criteria provided, single submitter. Criteria: ACMG Guidelines, 2015. Collection method: clinical testing. Allele origin: germline. Observed: 9 variant alleles.
Comment: BP4, BP7

ARUP Laboratories, Molecular Genetics and Genomics, ARUP Laboratories
Classification: Likely benign. Last evaluated: 2023-06-19. Review status: criteria provided, single submitter. Criteria: ARUP Molecular Germline Variant Investigation Process 2024. Collection method: clinical testing. Allele origin: germline.

Breakthrough Genomics
Classification: Likely benign. Review status: criteria provided, single submitter. Criteria: ACMG Guidelines, 2015. Collection method: not provided. Allele origin: germline. Inheritance: Autosomal recessive inheritance. Affected: yes.

NM_003126.4(SPTA1):c.5256G>A (p.Leu1752=)

Gene: SPTA1 (spectrin alpha, erythrocytic 1; minus strand). Cytogenetic location: 1q23.1.
Variant type: single nucleotide variant.
Coding change: c.5256G>A on transcript NM_003126.4 (MANE Select); coding-DNA position 5256, G replaced by A.
Protein change: p.Leu1752=; no amino-acid change (leucine 1752 retained).
Molecular consequence: synonymous variant.
Genome position (GRCh38, 1-based): chr1:158,636,695, C>T on the plus strand (G>A on the coding strand, the complement: SPTA1 is on the minus strand). VCF-style: chr1-158636695-C-T. GRCh37 (hg19) VCF-style: chr1-158606485-C-T.
Other names: p.Leu1752=.
Identifiers: ClinVar variation 728992 (VCV000728992.19), dbSNP rs141683960, ClinGen allele CA1182377.